The following is an entry in ClinVar:

ClinVar aggregate classification (germline): Uncertain significance (1 of 4 stars; one submission).

Conditions:
PCLO-related disorder. Also called: PCLO-related condition.

Submission:

PreventionGenetics, part of Exact Sciences
Classification: Uncertain significance for PCLO-related condition. Last evaluated: 2023-08-29. Review status: criteria provided, single submitter. Criteria: ACMG Guidelines, 2015. Collection method: clinical testing. Allele origin: germline.
Comment: The PCLO c.3205G>C variant is predicted to result in the amino acid substitution p.Gly1069Arg. To our knowledge, this variant has not been reported in the literature or in a large population database, indicating this variant is rare. At this time, the clinical significance of this variant is uncertain due to the absence of conclusive functional and genetic evidence.

NM_033026.6(PCLO):c.3205G>C (p.Gly1069Arg)

Gene: PCLO (piccolo presynaptic cytomatrix protein; minus strand). Cytogenetic location: 7q21.11.
Variant type: single nucleotide variant.
Coding change: c.3205G>C on transcript NM_033026.6 (MANE Select); coding-DNA position 3205, G replaced by C.
Protein change: p.Gly1069Arg; replaces glycine 1069 with arginine.
Molecular consequence: missense variant.
Genome position (GRCh38, 1-based): chr7:83,134,345, C>G on the plus strand (G>C on the coding strand, the complement: PCLO is on the minus strand). VCF-style: chr7-83134345-C-G. GRCh37 (hg19) VCF-style: chr7-82763661-C-G.
Other names: c.3205G>C, p.Gly1069Arg (NM_014510.3); short protein forms G1069R.
Identifiers: ClinVar variation 2631064 (VCV002631064.1), dbSNP rs2484832216, ClinGen allele CA367897063.
Genomic context (GRCh38, chr7:83,134,345, plus strand): 5'-GATTACACACTTGATTCTTGCATTCAGTGCAAGTATTGAAGTTAGGAGGATCCTTAGAAC[C>G]TATGTTGAGTTCAGTTTTGCAGAGAGGACAGGTTGATTCTGGTTTGGGCGATTTCTCCAG-3'
Protein context (NP_149015.2, residues 1059-1079): CPLCKTELNI[Gly1069Arg]SKDPPNFNTC